The following is an entry in ClinVar:

ClinVar aggregate classification (germline): Likely pathogenic (1 of 4 stars; one submission).

Conditions:
Cardiovascular phenotype. Identifiers: MedGen CN230736.

Submission:

Ambry Genetics
Classification: Likely pathogenic for Cardiovascular phenotype. Last evaluated: 2024-12-18. Review status: criteria provided, single submitter. Criteria: Ambry Variant Classification Scheme 2023. Collection method: clinical testing. Allele origin: germline.
Comment: The c.74901_74902delTA variant, located in coding exon 185 of the TTN gene, results from a deletion of two nucleotides at nucleotide positions 74901 to 74902, causing a translational frameshift with a predicted alternate stop codon (p.T24968Ffs*3). This exon is located in the M-band region of the N2-B isoform of the titin protein and is constitutively expressed in TTN transcripts (percent spliced in or PSI 100%). This variant is considered to be rare based on population cohorts in the Genome Aggregation Database (gnomAD). This alteration is expected to result in loss of function by premature protein truncation or nonsense-mediated mRNA decay. While truncating variants in TTN are present in 1-3% of the general population, truncating variants in the M-band have been reported in association with autosomal recessive titinopathies, primarily presenting with skeletal myopathy phenotypes (Ceyhan-Birsoy O et al. Neurology. 2013 Oct 1;81(14):1205-14; De Cid R et al. Neurology. 2015;85(24):2126-35). In addition, regardless of their position, TTN truncating variants encoded in constitutive exons (PSI >90%) have been found to be significantly associated with dilated cardiomyopathy (DCM), though truncating variants in the A-band are the most common cause of DCM (Herman DS et al. N. Engl. J. Med., 2012 Feb;366:619-28; Roberts AM et al. Sci Transl Med, 2015 Jan;7:270ra6; Schafer S et al. Nat. Genet., 2017 01;49:46-53). Based on the majority of available evidence to date, this variant is likely to be pathogenic in association with autosomal recessive titinopathy; however, the clinical significance of this alteration with respect to cardiomyopathy remains unclear.

NM_001267550.2(TTN):c.102096_102097del (p.Thr34033fs)

Genes: TTN (titin; minus strand), TTN-AS1 (TTN antisense RNA 1; plus strand). Cytogenetic location: 2q31.2.
Variant type: Microsatellite.
Coding change: c.102096_102097del on transcript NM_001267550.2 (MANE Select); coding-DNA positions 102096 to 102097, 2 bases deleted (TA; older notation c.102096_102097delTA).
Protein change: p.Thr34033fs; shifts the reading frame from threonine 34033.
Molecular consequence: frameshift variant.
Genome position (GRCh38, 1-based): chr2:178,534,518-178,534,519, TA deleted on the plus strand (TA on the coding strand, the reverse complement: TTN is on the minus strand); deleting any 2 consecutive bases within chr2:178,534,518-178,534,522 gives the same sequence; the c. name uses the placement nearest the transcript's 3' end. VCF-style (leftmost placement, unchanged base first): chr2-178534517-GTA-G. GRCh37 (hg19) VCF-style: chr2-179399244-GTA-G.
Other names: c.97173_97174del, p.Thr32392fs (NM_001256850.1); c.74901_74902del, p.Thr24968fs (NM_003319.4); c.94392_94393del, p.Thr31465fs (NM_133378.4); c.75276_75277del, p.Thr25093fs (NM_133432.3); c.75477_75478del, p.Thr25160fs (NM_133437.4); c.74901_74902delTA (NM_003319.4); short protein forms T24968fs, T25093fs, T25160fs, T32392fs, T31465fs, T34033fs.
Identifiers: ClinVar variation 3812201 (VCV003812201.1).
Genomic context (GRCh38, chr2:178,534,517, plus strand): 5'-AACCGGTCAACAAAATCCATGGCTTCAATGCTAATCTCTTTGAATGCTTCCTCATCGAAA[GTA>G]TATTCAGCATTCATGATATTCTCAATGATCTGTTGGTTAGTTTCAGCCAGGAATGGGTTG-3'